The following is an entry in ClinVar:

ClinVar aggregate classification (germline): Pathogenic. Review status: criteria provided, multiple submitters, no conflicts (2 of 4 stars). 2 submissions from 2 submitters: Pathogenic (2). Last evaluated 2023-10-05.

Conditions:
Hereditary cancer-predisposing syndrome. Also called: Neoplastic Syndromes, Hereditary; Tumor predisposition; Hereditary neoplastic syndrome; Hereditary Cancer Syndrome. Identifiers: Orphanet 140162, MedGen C0027672, MeSH D009386, MONDO:0015356.
Hereditary breast ovarian cancer syndrome. Also called: Hereditary breast and/or ovarian cancer syndrome; BRCA1- and BRCA2-Associated Hereditary Breast and Ovarian Cancer; Hereditary breast and ovarian cancer syndrome; Hereditary breast and ovarian cancer; Hereditary breast and ovarian cancer syndrome (HBOC); Breast and ovarian cancer. Identifiers: Orphanet 145, MedGen C0677776, MeSH D061325, MONDO:0003582. Disease mechanism: loss of function.

Submissions (2):

Women's Health and Genetics/Laboratory Corporation of America, LabCorp
Classification: Pathogenic for Hereditary breast ovarian cancer syndrome. Last evaluated: 2023-10-05. Review status: criteria provided, single submitter. Criteria: LabCorp Variant Classification Summary - May 2015. Collection method: clinical testing. Allele origin: germline.
Comment: Variant summary: CHEK2 c.1305dupA (p.Leu436ThrfsX15) results in a premature termination codon, predicted to cause absence of the protein due to nonsense mediated decay, which is a commonly known mechanism for disease. The variant was absent in 250998 control chromosomes (gnomAD). c.1305dupA has been reported in the literature in individuals affected with Hereditary Breast And Ovarian Cancer Syndrome (Sutcliffe_2020). To our knowledge, no experimental evidence demonstrating an impact on protein function has been reported. One submitter has cited a clinical-significance assessment for this variant to ClinVar after 2014 and has classified the variant as pathogenic. Based on the evidence outlined above, the variant was classified as pathogenic.

Ambry Genetics
Classification: Pathogenic for Hereditary cancer-predisposing syndrome. Last evaluated: 2023-01-18. Review status: criteria provided, single submitter. Criteria: Ambry Variant Classification Scheme 2023. Collection method: clinical testing. Allele origin: germline.
Comment: The c.1305dupA pathogenic mutation, located in coding exon 11 of the CHEK2 gene, results from a duplication of A at nucleotide position 1305, causing a translational frameshift with a predicted alternate stop codon (p.L436Tfs*15). This alteration is expected to result in loss of function by premature protein truncation or nonsense-mediated mRNA decay. As such, this alteration is interpreted as a disease-causing mutation.

Literature cited by the submitters: PubMed 32805687 (cited by Women's Health and Genetics/Laboratory Corporation of America, LabCorp).

NM_007194.4(CHEK2):c.1305dup (p.Leu436fs)

Gene: CHEK2 (checkpoint kinase 2; minus strand). Cytogenetic location: 22q12.1.
Variant type: Duplication.
Coding change: c.1305dup on transcript NM_007194.4 (MANE Select); coding-DNA position 1305, one base duplicated (A; older notation c.1305dupA).
Protein change: p.Leu436fs; shifts the reading frame from leucine 436.
Molecular consequence: frameshift variant.
Genome position (GRCh38, 1-based): chr22:28,695,197, T duplicated on the plus strand (A on the coding strand, the reverse complement: CHEK2 is on the minus strand). VCF-style (leftmost placement, unchanged base first): chr22-28695196-G-GT. GRCh37 (hg19) VCF-style: chr22-29091184-G-GT.
Other names: c.1434dup, p.Leu479Thrfs (NM_001005735.3); c.642dup, p.Leu215Thrfs (NM_001257387.3); c.1104dup, p.Leu369Thrfs (NM_001349956.3); c.1218dup, p.Leu407Thrfs (NM_145862.3); c.1305dupA (NM_007194.4); short protein forms L369fs, L407fs, L215fs, L436fs, L479fs.
Identifiers: ClinVar variation 2452077 (VCV002452077.3), dbSNP rs2517797218, ClinGen allele CA2580099421.
Genomic context (GRCh38, chr22:28,695,196, plus strand): 5'-AGACTTCTGCCCAGACTTCAGGAATGAAGTTGTATTTTCCACTGGTGATCTGATCCTTCA[G>GT]TGACACTTGAGTCCTATGCTCAGAGAAAGGTGGATACCCACTAAGGCTTAATATTGGTAG-3'